The following is an entry in ClinVar:

ClinVar aggregate classification (germline): Pathogenic/Likely pathogenic. Review status: criteria provided, multiple submitters, no conflicts (2 of 4 stars). 5 submissions from 5 submitters: Pathogenic (4); Likely pathogenic (1). Last evaluated 2025-09-09.

Conditions:
Hurler syndrome. Also called: Gargoylism, Hurler Syndrome; MUCOPOLYSACCHARIDOSIS TYPE IH; Severe MPS I (Hurler Syndrome). Identifiers: Orphanet 93473, MedGen C0086795, MONDO:0011758, OMIM 607014.
Mucopolysaccharidosis type 1. Also called: IDUA deficiency; MPS I; Mucopolysaccharidosis Type I. Identifiers: Orphanet 579, MedGen C0023786, MONDO:0001586.
Mucopolysaccharidosis, MPS-I-S. Also called: Scheie Syndrome; MUCOPOLYSACCHARIDOSIS TYPE IS; MPS V; MUCOPOLYSACCHARIDOSIS TYPE V. Identifiers: Orphanet 93474, MedGen C0026708, MONDO:0011760, OMIM 607016.
Mucopolysaccharidosis, MPS-I-H/S. Also called: Mucopolysaccharidosis type IH/S. Identifiers: Orphanet 93476, MedGen C0086431, MONDO:0011759, OMIM 607015.

Submissions (5):

Victorian Clinical Genetics Services, Murdoch Childrens Research Institute
Classification: Pathogenic for Mucopolysaccharidosis type 1. Last evaluated: 2025-09-09. Review status: criteria provided, single submitter. Criteria: ACMG Guidelines, 2015. Collection method: clinical testing. Allele origin: germline. Affected: yes.
Comment: This variant is classified as Pathogenic. Evidence in support of pathogenic classification: Variant is predicted to cause nonsense-mediated decay (NMD) and loss of protein (premature termination codon is located at least 54 nucleotides upstream of the final exon-exon junction); Variant is present in gnomAD <0.01 for a recessive condition (v4: 6 heterozygote(s), 0 homozygote(s)) ; This variant has limited previous evidence of pathogenicity in unrelated individuals. This variant has been classified as pathogenic/likely pathogenic by clinical laboratories in ClinVar; Other NMD-predicted variants comparable to the one identified in this case have very strong previous evidence for pathogenicity (DECIPHER). Additional information: This variant is heterozygous; This gene is associated with autosomal recessive disease; Loss of function is a known mechanism of disease in this gene and is associated with mucopolysaccharidosis type 1 (MONDO:0001586).

Genomic Medicine Center of Excellence, King Faisal Specialist Hospital and Research Centre
Classification: Pathogenic for Hurler syndrome. Last evaluated: 2024-04-04. Review status: criteria provided, single submitter. Criteria: ACMG Guidelines, 2015. Collection method: clinical testing. Allele origin: germline.

Natera, Inc.
Classification: Pathogenic for Mucopolysaccharidosis type I. Last evaluated: 2024-03-21. Review status: criteria provided, single submitter. Criteria: Natera Variant Classification Schema (03/2026). Collection method: clinical testing. Allele origin: germline.
Comment: The c.1395dupC variant in IDUA is a frameshift variant predicted to shift the reading frame beginning at codon 466 and leads to a stop codon 43 codons downstream. This variant is expected to result in nonsense mediated decay, truncation, or a dysfunctional protein product. This variant is rare in the general population with a frequency below the threshold expected for the associated phenotype(s). This variant has been observed in one or more individuals affected with the associated recessive disease, as either homozygous or compound heterozygous with a second variant (PMID: 29966168). Given the available evidence, this variant is classified as Pathogenic.

Fulgent Genetics
Classification: Likely pathogenic for Hurler syndrome; Mucopolysaccharidosis, MPS-I-H/S; Mucopolysaccharidosis, MPS-I-S. Last evaluated: 2024-03-12. Review status: criteria provided, single submitter. Criteria: ACMG Guidelines, 2015. Collection method: clinical testing. Allele origin: germline.

Labcorp Genetics (formerly Invitae), Labcorp
Classification: Pathogenic for Mucopolysaccharidosis type 1. Last evaluated: 2024-02-01. Review status: criteria provided, single submitter. Criteria: Invitae Variant Classification Sherloc (09022015). Collection method: clinical testing. Allele origin: germline.
Comment: This sequence change creates a premature translational stop signal (p.Gly466Argfs*43) in the IDUA gene. It is expected to result in an absent or disrupted protein product. Loss-of-function variants in IDUA are known to be pathogenic (PMID: 11735025, 21480867). This variant is not present in population databases (gnomAD no frequency). This variant has not been reported in the literature in individuals affected with IDUA-related conditions. ClinVar contains an entry for this variant (Variation ID: 845547). For these reasons, this variant has been classified as Pathogenic.

Literature cited by the submitters: PubMed 29966168 (cited by Natera, Inc.); PubMed 11735025 (cited by Labcorp Genetics (formerly Invitae), Labcorp); PubMed 21480867 (cited by Labcorp Genetics (formerly Invitae), Labcorp).

NM_000203.5(IDUA):c.1395dup (p.Gly466fs)

Gene: IDUA (alpha-L-iduronidase; plus strand). Cytogenetic location: 4p16.3.
Variant type: Duplication.
Coding change: c.1395dup on transcript NM_000203.5 (MANE Select); coding-DNA position 1395, one base duplicated (C; older notation c.1395dupC).
Protein change: p.Gly466fs; shifts the reading frame from glycine 466.
Molecular consequence: frameshift variant. On other transcripts: non-coding transcript variant (1).
Genome position (GRCh38, 1-based): chr4:1,002,937, C duplicated; the last of 6 consecutive C bases (chr4:1,002,932-1,002,937); duplicating any one gives the same sequence. VCF-style (leftmost placement, unchanged base first): chr4-1002931-G-GC. GRCh37 (hg19) VCF-style: chr4-996719-G-GC.
Other names: c.1395dupC (NM_000203.4); c.999dup, p.Gly334fs (NM_001363576.1); short protein forms G334fs, G466fs.
Identifiers: ClinVar variation 845547 (VCV000845547.13), dbSNP rs1386109118, ClinGen allele CA916082627.